The following is an entry in ClinVar:

ClinVar aggregate classification (germline): Pathogenic (1 of 4 stars; one submission).

Conditions:
Tuberous sclerosis 2 (TSC2). Identifiers: Orphanet 805, MedGen C1860707, MONDO:0013199, OMIM 613254.

Submission:

Labcorp Genetics (formerly Invitae), Labcorp
Classification: Pathogenic for Tuberous sclerosis 2. Last evaluated: 2019-06-19. Review status: criteria provided, single submitter. Criteria: Invitae Variant Classification Sherloc (09022015). Collection method: clinical testing. Allele origin: germline.
Comment: For these reasons, this variant has been classified as Pathogenic. Loss-of-function variants in TSC2 are known to be pathogenic (PMID: 10205261, 17304050). This variant has been observed in an individual affected with tuberous sclerosis complex (PMID: 28087349). This variant is not present in population databases (ExAC no frequency). This sequence change creates a premature translational stop signal (p.Glu1692Glyfs*14) in the TSC2 gene. It is expected to result in an absent or disrupted protein product.

Literature cited by the submitters: PubMed 10205261; PubMed 17304050; PubMed 28087349.

NM_000548.5(TSC2):c.5074dup (p.Glu1692fs)

Gene: TSC2 (TSC complex subunit 2; plus strand). Cytogenetic location: 16p13.3.
Variant type: Duplication.
Coding change: c.5074dup on transcript NM_000548.5 (MANE Select); coding-DNA position 5074, one base duplicated (G; older notation c.5074dupG).
Protein change: p.Glu1692fs; shifts the reading frame from glutamic acid 1692.
Molecular consequence: frameshift variant.
Genome position (GRCh38, 1-based): chr16:2,088,053, G duplicated; the last of 2 consecutive G bases (chr16:2,088,052-2,088,053); duplicating either gives the same sequence. VCF-style (leftmost placement, unchanged base first): chr16-2088051-T-TG. GRCh37 (hg19) VCF-style: chr16-2138052-T-TG.
Other names: c.4873dup, p.Glu1625fs (NM_001077183.3); c.5005dup, p.Glu1669fs (NM_001114382.3); c.4765dup, p.Glu1589fs (NM_001318827.2); c.4729dup, p.Glu1577fs (NM_001318829.2); c.4342dup, p.Glu1448fs (NM_001318831.2); c.4906dup, p.Glu1636fs (NM_001318832.2); c.4876dup, p.Glu1626fs (NM_001363528.2); c.4942dup, p.Glu1648fs (NM_001370404.1); and 1 more; short protein forms E1589fs, E1692fs, E1448fs, E1577fs, E1626fs, E1648fs, E1625fs, E1636fs.
Identifiers: ClinVar variation 945085 (VCV000945085.9), dbSNP rs2091087487, ClinGen allele CA1139664249.